The following is an entry in ClinVar:

ClinVar aggregate classification (germline): Likely benign. Review status: criteria provided, single submitter (1 of 4 stars). 2 submissions from 2 submitters: Likely benign (1). 1 of the submissions does not count toward it. Last evaluated 2023-09-21.

Conditions:
NPHP1-related disorder. Also called: NPHP1-related condition; NPHP1-related disorders.
Nephronophthisis. Also called: Juvenile Nephronophthisis. Identifiers: Orphanet 655, MedGen C0687120, MONDO:0019005, HP:0000090.

Allele frequency attached by ClinVar (database versions not stated): gnomAD exomes 0.00001.
gnomAD v4.1: 11 of 1,581,192 alleles (0.0007%); highest among the groups gnomAD compares: Non-Finnish European, 0.00096%; no homozygotes.

Submissions (2):

Labcorp Genetics (formerly Invitae), Labcorp
Classification: Likely benign for Nephronophthisis. Last evaluated: 2023-09-21. Review status: criteria provided, single submitter. Criteria: Invitae Variant Classification Sherloc (09022015). Collection method: clinical testing. Allele origin: germline.

PreventionGenetics, part of Exact Sciences
Classification: Likely benign for NPHP1-related condition. Last evaluated: 2024-08-24. Review status: no assertion criteria provided. Collection method: clinical testing. Allele origin: germline. Not counted in ClinVar's aggregate classification.
Comment: This variant is classified as likely benign based on ACMG/AMP sequence variant interpretation guidelines (Richards et al. 2015 PMID: 25741868, with internal and published modifications).

NM_001128178.3(NPHP1):c.1359T>C (p.Tyr453=)

Gene: NPHP1 (nephrocystin 1; minus strand). Cytogenetic location: 2q13.
Variant type: single nucleotide variant.
Coding change: c.1359T>C on transcript NM_001128178.3 (MANE Select); coding-DNA position 1359, T replaced by C.
Protein change: p.Tyr453=; no amino-acid change (tyrosine 453 retained).
Molecular consequence: synonymous variant.
Genome position (GRCh38, 1-based): chr2:110,144,563, A>G on the plus strand (T>C on the coding strand, the complement: NPHP1 is on the minus strand). VCF-style: chr2-110144563-A-G. GRCh37 (hg19) VCF-style: chr2-110902140-A-G.
Other names: c.1527T>C (NM_000272.3); c.1527T>C, p.Tyr509= (NM_000272.5); c.1170T>C, p.Tyr390= (NM_001128179.3); c.1356T>C, p.Tyr452= (NM_001374256.1); c.1359T>C, p.Tyr453= (NM_001374257.1); c.1524T>C, p.Tyr508= (NM_207181.4).
Identifiers: ClinVar variation 1624764 (VCV001624764.7), dbSNP rs756580864, ClinGen allele CA53534984.